The following is an entry in ClinVar:

ClinVar aggregate classification (germline): Uncertain significance (1 of 4 stars; one submission).

Submission:

GeneDx
Classification: Uncertain significance. Last evaluated: 2022-01-21. Review status: criteria provided, single submitter. Criteria: GeneDx Variant Classification Process June 2021. Collection method: clinical testing. Allele origin: germline. Affected: yes.
Comment: Has not been previously published as pathogenic or benign to our knowledge; Not observed at significant frequency in large population cohorts (gnomAD); In silico analysis supports that this missense variant has a deleterious effect on protein structure/function

NM_152641.4(ARID2):c.928C>T (p.Arg310Cys)

Gene: ARID2 (AT-rich interaction domain 2; plus strand). Cytogenetic location: 12q12.
Variant type: single nucleotide variant.
Coding change: c.928C>T on transcript NM_152641.4 (MANE Select); coding-DNA position 928, C replaced by T.
Protein change: p.Arg310Cys; replaces arginine 310 with cysteine.
Molecular consequence: missense variant.
Genome position (GRCh38, 1-based): chr12:45,836,896, C>T. VCF-style: chr12-45836896-C-T. GRCh37 (hg19) VCF-style: chr12-46230679-C-T.
Other names: c.928C>T, p.Arg310Cys (NM_001347839.2); short protein forms R310C.
Identifiers: ClinVar variation 1698187 (VCV001698187.2), dbSNP rs2138127858, ClinGen allele CA384453127.